The following is an entry in ClinVar:

ClinVar aggregate classification (germline): Uncertain significance (1 of 4 stars; one submission).

Conditions:
Fanconi anemia (FA). Also called: Fanconi's anemia. Identifiers: Orphanet 84, MedGen C0015625, MeSH D005199, MONDO:0019391.

Submission:

Labcorp Genetics (formerly Invitae), Labcorp
Classification: Uncertain significance for Fanconi anemia. Last evaluated: 2019-07-11. Review status: criteria provided, single submitter. Criteria: Invitae Variant Classification Sherloc (09022015). Collection method: clinical testing. Allele origin: germline.
Comment: This sequence change replaces asparagine with histidine at codon 112 of the FANCD2 protein (p.Asn112His). The asparagine residue is moderately conserved and there is a small physicochemical difference between asparagine and histidine. This variant is not present in population databases (ExAC no frequency). This variant has not been reported in the literature in individuals with FANCD2-related conditions. Algorithms developed to predict the effect of missense changes on protein structure and function are either unavailable or do not agree on the potential impact of this missense change (SIFT: "Deleterious"; PolyPhen-2: "Probably Damaging"; Align-GVGD: "Class C0"). In summary, the available evidence is currently insufficient to determine the role of this variant in disease. Therefore, it has been classified as a Variant of Uncertain Significance.

NM_001018115.3(FANCD2):c.334A>C (p.Asn112His)

Genes: FANCD2 (FA complementation group D2; plus strand), LOC107303338 (3p25 FANCD2 Alu-mediated recombination region; plus strand). Cytogenetic location: 3p25.3.
Variant type: single nucleotide variant.
Coding change: c.334A>C on transcript NM_001018115.3 (MANE Select); coding-DNA position 334, A replaced by C.
Protein change: p.Asn112His; replaces asparagine 112 with histidine.
Molecular consequence: missense variant.
Genome position (GRCh38, 1-based): chr3:10,034,755, A>C. VCF-style: chr3-10034755-A-C. GRCh37 (hg19) VCF-style: chr3-10076439-A-C.
Other names: c.334A>C, p.Asn112His (NM_001319984.2, NM_001374253.1, NM_001374254.1 and 2 more transcripts); short protein forms N112H.
Identifiers: ClinVar variation 947157 (VCV000947157.9), dbSNP rs2086689020, ClinGen allele CA351720765.
Genomic context (GRCh38, chr3:10,034,755, plus strand): 5'-ATAATAGAAGAATTTGTTAGTGGCCTGGAGTCTTACATTGAGGATGAAGACAGTTTCAGG[A>C]ACTGCCTTTTGTCTTGTGAGCGTCTGCAGGATGAGGAAGCCAGGTGTGGAGAGGAGGCAT-3'
Protein context (NP_001018125.1, residues 102-122): SYIEDEDSFR[Asn112His]CLLSCERLQD